The following is an entry in ClinVar:

ClinVar aggregate classification (germline): Likely benign. Review status: criteria provided, multiple submitters, no conflicts (2 of 4 stars). 4 submissions from 4 submitters: Likely benign (3). 1 of the submissions does not count toward it. Last evaluated 2025-09-30.

Conditions:
MYLK-related disorder. Also called: MYLK-related condition.
Familial thoracic aortic aneurysm and aortic dissection (TAAD). Also called: Thoracic aortic aneurysms and dissections. Identifiers: Orphanet 91387, MedGen C4707243, MONDO:0019625.
Aortic aneurysm, familial thoracic 7 (AAT7). Also called: AORTIC DISSECTION, FAMILIAL, WITH OR WITHOUT AORTIC ANEURYSM. Identifiers: MedGen C3151077, MONDO:0013418, OMIM 613780.

Allele frequency attached by ClinVar (database versions not stated): ExAC 0.00003; gnomAD 0.00003 and 0.00004; gnomAD exomes 0.00003.
gnomAD v4.1: 55 of 1,613,956 alleles (0.0034%); highest among the groups gnomAD compares: Middle Eastern, 0.016%; no homozygotes.

Submissions (4):

Labcorp Genetics (formerly Invitae), Labcorp
Classification: Likely benign for Aortic aneurysm, familial thoracic 7. Last evaluated: 2025-09-30. Review status: criteria provided, single submitter. Criteria: Invitae Variant Classification Sherloc (09022015). Collection method: clinical testing. Allele origin: germline.

Ambry Genetics
Classification: Likely benign for Familial thoracic aortic aneurysm and aortic dissection. Last evaluated: 2022-05-18. Review status: criteria provided, single submitter. Criteria: Ambry Variant Classification Scheme 2023. Collection method: clinical testing. Allele origin: germline.

Breakthrough Genomics
Classification: Likely benign. Review status: criteria provided, single submitter. Criteria: ACMG Guidelines, 2015. Collection method: not provided. Allele origin: germline. Inheritance: Autosomal recessive inheritance. Affected: yes.

PreventionGenetics, part of Exact Sciences
Classification: Likely benign for MYLK-related condition. Last evaluated: 2019-05-23. Review status: no assertion criteria provided. Collection method: clinical testing. Allele origin: germline. Not counted in ClinVar's aggregate classification.
Comment: This variant is classified as likely benign based on ACMG/AMP sequence variant interpretation guidelines (Richards et al. 2015 PMID: 25741868, with internal and published modifications).

NM_053025.4(MYLK):c.1356C>T (p.Thr452=)

Gene: MYLK (myosin light chain kinase; minus strand). Cytogenetic location: 3q21.1.
Variant type: single nucleotide variant.
Coding change: c.1356C>T on transcript NM_053025.4 (MANE Select); coding-DNA position 1356, C replaced by T.
Protein change: p.Thr452=; no amino-acid change (threonine 452 retained).
Molecular consequence: synonymous variant. On other transcripts: intron variant (2).
Genome position (GRCh38, 1-based): chr3:123,733,056, G>A on the plus strand (C>T on the coding strand, the complement: MYLK is on the minus strand). VCF-style: chr3-123733056-G-A. GRCh37 (hg19) VCF-style: chr3-123451903-G-A.
Other names: c.828C>T, p.Thr276= (NM_001321309.2); c.1356C>T, p.Thr452= (NM_053027.4); c.1309+631C>T (NM_053028.4, NM_053026.4).
Identifiers: ClinVar variation 415759 (VCV000415759.16), dbSNP rs768697251, ClinGen allele CA067028.